The following is an entry in ClinVar:

ClinVar aggregate classification (germline): Likely benign (0 of 4 stars; one submission).

Conditions:
PLEKHA7-related disorder. Also called: PLEKHA7-related condition.

Allele frequency attached by ClinVar (database versions not stated): gnomAD exomes 0.00005; ExAC 0.00006; gnomAD 0.00007.
gnomAD v4.1: 76 of 1,614,086 alleles (0.0047%); highest among the groups gnomAD compares: East Asian, 0.14%; no homozygotes.

Submission:

PreventionGenetics, part of Exact Sciences
Classification: Likely benign for PLEKHA7-related condition. Last evaluated: 2019-04-01. Review status: no assertion criteria provided. Collection method: clinical testing. Allele origin: germline.
Comment: This variant is classified as likely benign based on ACMG/AMP sequence variant interpretation guidelines (Richards et al. 2015 PMID: 25741868, with internal and published modifications).

NM_001329630.2(PLEKHA7):c.2883C>T (p.Asp961=)

Gene: PLEKHA7 (pleckstrin homology domain containing A7; minus strand). Cytogenetic location: 11p15.2.
Variant type: single nucleotide variant.
Coding change: c.2883C>T on transcript NM_001329630.2 (MANE Select); coding-DNA position 2883, C replaced by T.
Protein change: p.Asp961=; no amino-acid change (aspartic acid 961 retained).
Molecular consequence: synonymous variant.
Genome position (GRCh38, 1-based): chr11:16,791,062, G>A on the plus strand (C>T on the coding strand, the complement: PLEKHA7 is on the minus strand). VCF-style: chr11-16791062-G-A. GRCh37 (hg19) VCF-style: chr11-16812609-G-A.
Other names: c.2886C>T, p.Asp962= (NM_001329631.2, NM_001410960.1); c.2883C>T, p.Asp961= (NM_175058.5).
Identifiers: ClinVar variation 3048143 (VCV003048143.2), dbSNP rs756351573, ClinGen allele CA5898957.